The following is an entry in ClinVar:

ClinVar aggregate classification (germline): Pathogenic (1 of 4 stars; one submission).

Submission:

Labcorp Genetics (formerly Invitae), Labcorp
Classification: Pathogenic. Last evaluated: 2023-11-02. Review status: criteria provided, single submitter. Criteria: Invitae Variant Classification Sherloc (09022015). Collection method: clinical testing. Allele origin: germline.
Comment: This sequence change creates a premature translational stop signal (p.Gly1054Cysfs*65) in the DUOX2 gene. It is expected to result in an absent or disrupted protein product. Loss-of-function variants in DUOX2 are known to be pathogenic (PMID: 12110737, 18765513, 21565790, 24423310, 24735383). This variant is present in population databases (rs773433578, gnomAD 0.007%). This variant has not been reported in the literature in individuals affected with DUOX2-related conditions. For these reasons, this variant has been classified as Pathogenic.

Literature cited by the submitters: PubMed 12110737; PubMed 18765513; PubMed 21565790; PubMed 24423310; PubMed 24735383.

NM_001363711.2(DUOX2):c.3160_3167del (p.Gly1054fs)

Gene: DUOX2 (dual oxidase 2; minus strand). Cytogenetic location: 15q21.1.
Variant type: Deletion.
Coding change: c.3160_3167del on transcript NM_001363711.2 (MANE Select); coding-DNA positions 3160 to 3167, 8 bases deleted (GGCGTGTT; older notation c.3160_3167delGGCGTGTT).
Protein change: p.Gly1054fs; shifts the reading frame from glycine 1054.
Molecular consequence: frameshift variant.
Genome position (GRCh38, 1-based): chr15:45,100,067-45,100,074, AACACGCC deleted on the plus strand (GGCGTGTT on the coding strand, the reverse complement: DUOX2 is on the minus strand); deleting any 8 consecutive bases within chr15:45,100,067-45,100,079 gives the same sequence; the c. name uses the placement nearest the transcript's 3' end. VCF-style (leftmost placement, unchanged base first): chr15-45100066-AAACACGCC-A. GRCh37 (hg19) VCF-style: chr15-45392264-AAACACGCC-A.
Other names: c.3160_3167del, p.Gly1054fs (NM_014080.5); short protein forms G1054fs.
Identifiers: ClinVar variation 2692659 (VCV002692659.3), dbSNP rs773433578, ClinGen allele CA7537991.